The following is an entry in ClinVar:

ClinVar aggregate classification (germline): Uncertain significance (1 of 4 stars; one submission).

Conditions:
Neurodevelopmental disorder with hypotonia, feeding difficulties, facial dysmorphism, and brain abnormalities. Identifiers: MedGen C5935629, MONDO:0971043, OMIM 620852.

Submission:

Juno Genomics, Hangzhou Juno Genomics, Inc
Classification: Uncertain significance for Neurodevelopmental disorder with hypotonia, feeding difficulties, facial dysmorphism, and brain abnormalities. Review status: criteria provided, single submitter. Criteria: ACMG Guidelines, 2015. Collection method: clinical testing. Allele origin: germline.
Comment: Absent from controls (or at extremely low frequency if recessive) in Genome Aggregation Database.

NM_007187.5(WBP4):c.377del (p.Gly126fs)

Gene: WBP4 (WW domain binding protein 4; plus strand). Cytogenetic location: 13q14.11.
Variant type: Deletion.
Coding change: c.377del on transcript NM_007187.5 (MANE Select); coding-DNA position 377, one base deleted (G; older notation c.377delG).
Protein change: p.Gly126fs; shifts the reading frame from glycine 126.
Molecular consequence: frameshift variant.
Genome position (GRCh38, 1-based): chr13:41,068,675, G deleted; the last of 3 consecutive G bases (chr13:41,068,673-41,068,675); deleting any one gives the same sequence. VCF-style (leftmost placement, unchanged base first): chr13-41068672-AG-A. GRCh37 (hg19) VCF-style: chr13-41642808-AG-A.
Other names: short protein forms G126fs.
Identifiers: ClinVar variation 5005257 (VCV005005257.2).